The following is an entry in ClinVar:

ClinVar aggregate classification (germline): Likely benign. Review status: criteria provided, multiple submitters, no conflicts (2 of 4 stars). 9 submissions from 8 submitters: Likely benign (8). 1 of the submissions does not count toward it. Last evaluated 2025-10-13.

Conditions:
Autosomal dominant cerebellar ataxia. Also called: Spinocerebellar Ataxia, Dominant. Identifiers: Orphanet 99, MedGen C4087347, MONDO:0020380.
Inborn genetic diseases. Identifiers: MedGen C0950123, MeSH D030342.
Charcot-Marie-Tooth disease axonal type 2O. Also called: CHARCOT-MARIE-TOOTH NEUROPATHY, AXONAL, TYPE 2O; CHARCOT-MARIE-TOOTH DISEASE, AXONAL, AUTOSOMAL DOMINANT, TYPE 2O; Charcot-Marie-Tooth disease, axonal, type 20; Charcot-Marie-Tooth Neuropathy Type 2O. Identifiers: Orphanet 284232, MedGen C3280220, MONDO:0013644, OMIM 614228.
DYNC1H1-related disorder. Also called: DYNC1H1-related condition; DYNC1H1-related disorders. Identifiers: MedGen CN381529.
Charcot-Marie-Tooth disease. Also called: Charcot-Marie-Tooth Hereditary Neuropathy; Charcot-Marie-Tooth Neuropathy. Identifiers: Orphanet 166, MedGen C0007959, MONDO:0015626.

Allele frequency attached by ClinVar (database versions not stated): ExAC 0.00008; ESP Exome Variant Server 0.00008; gnomAD exomes 0.00008 and 0.00010; gnomAD 0.00012 and 0.00013; TOPMed 0.00015.
gnomAD v4.1: 129 of 1,614,050 alleles (0.008%); highest among the groups gnomAD compares: African/African-American, 0.011%; no homozygotes.

Submissions (9):

Labcorp Genetics (formerly Invitae), Labcorp
Classification: Likely benign for Charcot-Marie-Tooth disease axonal type 2O. Last evaluated: 2025-10-13. Review status: criteria provided, single submitter. Criteria: Invitae Variant Classification Sherloc (09022015). Collection method: clinical testing. Allele origin: germline.

Blueprint Genetics
Classification: Likely benign. Last evaluated: 2024-11-21. Review status: criteria provided, single submitter. Criteria: ACMG Guidelines, 2015. Collection method: clinical testing. Allele origin: germline.

CeGaT Center for Human Genetics Tuebingen
Classification: Likely benign. Last evaluated: 2022-09-01. Review status: criteria provided, single submitter. Criteria: CeGaT Center For Human Genetics Tuebingen Variant Classification Criteria Version 2. Collection method: clinical testing. Allele origin: germline. Affected: yes. Observed: 2 variant alleles.
Comment: DYNC1H1: BP4, BP7

GeneDx
Classification: Likely benign. Last evaluated: 2019-03-25. Review status: criteria provided, single submitter. Criteria: GeneDx Variant Classification Process June 2021. Collection method: clinical testing. Allele origin: germline. Affected: yes.

Ambry Genetics
Classification: Likely benign for Inborn genetic diseases. Last evaluated: 2018-03-22. Review status: criteria provided, single submitter. Criteria: Ambry Variant Classification Scheme 2023. Collection method: clinical testing. Allele origin: germline.

Illumina Laboratory Services, Illumina
Classification: Likely benign for Spinocerebellar Ataxia, Dominant. Last evaluated: 2018-01-12. Review status: criteria provided, single submitter. Criteria: ICSL Variant Classification Criteria 13 December 2019. Collection method: clinical testing. Allele origin: germline.
Comment: This variant was observed in the ICSL laboratory as part of a predisposition screen in an ostensibly healthy population. It had not been previously curated by ICSL or reported in the Human Gene Mutation Database (HGMD: prior to June 1st, 2018), and was therefore a candidate for classification through an automated scoring system. Utilizing variant allele frequency, disease prevalence and penetrance estimates, and inheritance mode, an automated score was calculated to assess if this variant is too frequent to cause the disease. Based on the score and internal cut-off values, a variant classified as likely benign is not then subjected to further curation. The score for this variant resulted in a classification of likely benign for this disease.

Illumina Laboratory Services, Illumina
Classification: Likely benign for Charcot-Marie-Tooth disease axonal type 2O. Last evaluated: 2018-01-12. Review status: criteria provided, single submitter. Criteria: ICSL Variant Classification Criteria 13 December 2019. Collection method: clinical testing. Allele origin: germline.
Comment: the same text as in the submission from Illumina Laboratory Services, Illumina above.

Molecular Genetics Laboratory, London Health Sciences Centre
Classification: Likely benign for Charcot-Marie-Tooth disease. Review status: criteria provided, single submitter. Criteria: ACMG Guidelines, 2015. Collection method: clinical testing. Allele origin: germline. Affected: yes.

PreventionGenetics, part of Exact Sciences
Classification: Likely benign for DYNC1H1-related condition. Last evaluated: 2022-11-09. Review status: no assertion criteria provided. Collection method: clinical testing. Allele origin: germline. Not counted in ClinVar's aggregate classification.
Comment: This variant is classified as likely benign based on ACMG/AMP sequence variant interpretation guidelines (Richards et al. 2015 PMID: 25741868, with internal and published modifications).

NM_001376.5(DYNC1H1):c.12075C>T (p.Leu4025=)

Gene: DYNC1H1 (dynein cytoplasmic 1 heavy chain 1; plus strand). Cytogenetic location: 14q32.31.
Variant type: single nucleotide variant.
Coding change: c.12075C>T on transcript NM_001376.5 (MANE Select); coding-DNA position 12075, C replaced by T.
Protein change: p.Leu4025=; no amino-acid change (leucine 4025 retained).
Molecular consequence: synonymous variant.
Genome position (GRCh38, 1-based): chr14:102,041,707, C>T. VCF-style: chr14-102041707-C-T. GRCh37 (hg19) VCF-style: chr14-102508044-C-T.
Identifiers: ClinVar variation 516470 (VCV000516470.64), dbSNP rs373636519, ClinGen allele CA7353813.